The following is an entry in ClinVar:

ClinVar aggregate classification (germline): Uncertain significance (1 of 4 stars; one submission).

Conditions:
Congenital myotonia, autosomal dominant form (THD). Also called: THOMSEN DISEASE; Myotonia congenita autosomal dominant. Identifiers: Orphanet 614, MedGen C2936781, MONDO:0008055, OMIM 160800.
Congenital myotonia, autosomal recessive form. Also called: BECKER DISEASE; Becker Generalized Myotonia; myotonia congenita, autosomal recessive. Identifiers: Orphanet 614, MedGen C0751360, MONDO:0009715, OMIM 255700.

gnomAD v4.1: 3 of 1,614,044 alleles (0.00019%); highest among the groups gnomAD compares: African/African-American, 0.0027%; no homozygotes.

Submission:

Labcorp Genetics (formerly Invitae), Labcorp
Classification: Uncertain significance for Congenital myotonia, autosomal recessive form; Congenital myotonia, autosomal dominant form. Last evaluated: 2025-05-22. Review status: criteria provided, single submitter. Criteria: Invitae Variant Classification Sherloc (09022015). Collection method: clinical testing. Allele origin: germline.
Comment: This sequence change replaces histidine, which is basic and polar, with tyrosine, which is neutral and polar, at codon 847 of the CLCN1 protein (p.His847Tyr). This variant is present in population databases (rs369724350, gnomAD 0.007%). This variant has not been reported in the literature in individuals affected with CLCN1-related conditions. Invitae Evidence Modeling of protein sequence and biophysical properties (such as structural, functional, and spatial information, amino acid conservation, physicochemical variation, residue mobility, and thermodynamic stability) has been performed for this missense variant. However, the output from this modeling did not meet the statistical confidence thresholds required to predict the impact of this variant on CLCN1 protein function. In summary, the available evidence is currently insufficient to determine the role of this variant in disease. Therefore, it has been classified as a Variant of Uncertain Significance.

NM_000083.3(CLCN1):c.2539C>T (p.His847Tyr)

Gene: CLCN1 (chloride voltage-gated channel 1; plus strand). Cytogenetic location: 7q34.
Variant type: single nucleotide variant.
Coding change: c.2539C>T on transcript NM_000083.3 (MANE Select); coding-DNA position 2539, C replaced by T.
Protein change: p.His847Tyr; replaces histidine 847 with tyrosine.
Molecular consequence: missense variant. On other transcripts: non-coding transcript variant (1).
Genome position (GRCh38, 1-based): chr7:143,350,598, C>T. VCF-style: chr7-143350598-C-T. GRCh37 (hg19) VCF-style: chr7-143047691-C-T.
Other names: short protein forms H847Y.
Identifiers: ClinVar variation 4784682 (VCV004784682.1).